The following is an entry in ClinVar:

NM_006227.4(PLTP):c.280A>G (p.Asn94Asp)

Gene: PLTP (phospholipid transfer protein; minus strand). Cytogenetic location: 20q13.12.
Variant type: single nucleotide variant.
Coding change: c.280A>G on transcript NM_006227.4 (MANE Select); coding-DNA position 280, A replaced by G.
Protein change: p.Asn94Asp; replaces asparagine 94 with aspartic acid.
Molecular consequence: missense variant. On other transcripts: intron variant (1).
Genome position (GRCh38, 1-based): chr20:45,909,991, T>C on the plus strand (A>G on the coding strand, the complement: PLTP is on the minus strand). VCF-style: chr20-45909991-T-C. GRCh37 (hg19) VCF-style: chr20-44538630-T-C.
Other names: c.16A>G, p.Asn6Asp (NM_001242921.1); c.280A>G, p.Asn94Asp (NM_182676.3); c.200+1161A>G (NM_001242920.2); c.280A>G (NM_006227.3); short protein forms N6D, N94D.
Identifiers: ClinVar variation 3610294 (VCV003610294.3).
Genomic context (GRCh38, chr20:45,909,991, plus strand): 5'-TGGGTCCTTACAAGAACCAGTAGAGCAGCTGTCTCCGGAAGCGCAGCCCCAAGGAGGCAT[T>C]GGTGATTTGAAGCATCAGCTCCTGCTGTGGCTGGAAATCGAGCTCGGAAGATGTCAGTTG-3'
Protein context (NP_006218.1, residues 84-104): PQQELMLQIT[Asn94Asp]ASLGLRFRRQ

ClinVar aggregate classification (germline): Uncertain significance. Review status: criteria provided, multiple submitters, no conflicts (2 of 4 stars). 2 submissions from 2 submitters: Uncertain significance (2). Last evaluated 2025-11-24.

gnomAD v4.1: 2 of 1,614,054 alleles (0.00012%); highest among the groups gnomAD compares: Admixed American, 0.0017%; no homozygotes.

Submissions (2):

Ambry Genetics
Classification: Uncertain significance. Last evaluated: 2025-11-24. Review status: criteria provided, single submitter. Criteria: Ambry Variant Classification Scheme 2023. Collection method: clinical testing. Allele origin: germline.

Labcorp Genetics (formerly Invitae), Labcorp
Classification: Uncertain significance. Last evaluated: 2024-10-16. Review status: criteria provided, single submitter. Criteria: Invitae Variant Classification Sherloc (09022015). Collection method: clinical testing. Allele origin: germline.
Comment: This sequence change replaces asparagine, which is neutral and polar, with aspartic acid, which is acidic and polar, at codon 94 of the PLTP protein (p.Asn94Asp). This variant is present in population databases (rs755852266, gnomAD 0.003%). This variant has not been reported in the literature in individuals affected with PLTP-related conditions. An algorithm developed to predict the effect of missense changes on protein structure and function (PolyPhen-2) suggests that this variant is likely to be tolerated. In summary, the available evidence is currently insufficient to determine the role of this variant in disease. Therefore, it has been classified as a Variant of Uncertain Significance.